The following is an entry in ClinVar:

NM_000388.4(CASR):c.727A>G (p.Ile243Val)

Gene: CASR (calcium sensing receptor; plus strand). Cytogenetic location: 3q21.1.
Variant type: single nucleotide variant.
Coding change: c.727A>G on transcript NM_000388.4 (MANE Select); coding-DNA position 727, A replaced by G.
Protein change: p.Ile243Val; replaces isoleucine 243 with valine.
Molecular consequence: missense variant.
Genome position (GRCh38, 1-based): chr3:122,261,762, A>G. VCF-style: chr3-122261762-A-G. GRCh37 (hg19) VCF-style: chr3-121980609-A-G.
Other names: c.727A>G, p.Ile243Val (NM_001178065.2); short protein forms I243V.
Identifiers: ClinVar variation 1719777 (VCV001719777.6), dbSNP rs1317990764, ClinGen allele CA354151222.

ClinVar aggregate classification (germline): Uncertain significance (1 of 4 stars; one submission).

Conditions:
Familial hypocalciuric hypercalcemia (FHH). Also called: Familial benign hypercalcemia. Identifiers: Orphanet 405, MedGen C1809471, MONDO:0018458.
Autosomal dominant hypocalcemia 1 (HYPOC1). Also called: HYPOCALCEMIA, FAMILIAL. Identifiers: MedGen C3715128, MONDO:0011013, OMIM 601198.

Submission:

Labcorp Genetics (formerly Invitae), Labcorp
Classification: Uncertain significance for Familial hypocalciuric hypercalcemia; Autosomal dominant hypocalcemia 1. Last evaluated: 2022-09-19. Review status: criteria provided, single submitter. Criteria: Invitae Variant Classification Sherloc (09022015). Collection method: clinical testing. Allele origin: germline.
Comment: This variant is not present in population databases (gnomAD no frequency). In summary, the available evidence is currently insufficient to determine the role of this variant in disease. Therefore, it has been classified as a Variant of Uncertain Significance. Algorithms developed to predict the effect of missense changes on protein structure and function are either unavailable or do not agree on the potential impact of this missense change (SIFT: "Deleterious"; PolyPhen-2: "Benign"; Align-GVGD: "Class C25"). This variant has not been reported in the literature in individuals affected with CASR-related conditions. This sequence change replaces isoleucine, which is neutral and non-polar, with valine, which is neutral and non-polar, at codon 243 of the CASR protein (p.Ile243Val).